The following is an entry in ClinVar:

NM_021930.6(RINT1):c.764G>A (p.Ser255Asn)

Gene: RINT1 (RAD50 interactor 1; plus strand). Cytogenetic location: 7q22.3.
Variant type: single nucleotide variant.
Coding change: c.764G>A on transcript NM_021930.6 (MANE Select); coding-DNA position 764, G replaced by A.
Protein change: p.Ser255Asn; replaces serine 255 with asparagine.
Molecular consequence: missense variant. On other transcripts: 5 prime UTR variant (2), non-coding transcript variant (1), intron variant (1).
Genome position (GRCh38, 1-based): chr7:105,547,258, G>A. VCF-style: chr7-105547258-G-A. GRCh37 (hg19) VCF-style: chr7-105187705-G-A.
Other names: c.530G>A, p.Ser177Asn (NM_001346599.2); c.-256G>A (NM_001346600.2); c.-159G>A (NM_001346601.2); c.-27-2797G>A (NM_001346603.2); c.764G>A (NM_021930.4); short protein forms S255N, S177N.
Identifiers: ClinVar variation 1943942 (VCV001943942.6), dbSNP rs1375598505, ClinGen allele CA368806335.

ClinVar aggregate classification (germline): Uncertain significance. Review status: criteria provided, multiple submitters, no conflicts (2 of 4 stars). 2 submissions from 2 submitters: Uncertain significance (2). Last evaluated 2026-01-10.

Allele frequency attached by ClinVar (database versions not stated): TOPMed below 0.00001; gnomAD 0.00001.
gnomAD v4.1: 1 of 1,614,090 alleles (0.000062%); highest among the groups gnomAD compares: Non-Finnish European, 0.000085%; no homozygotes.

Submissions (2):

Ambry Genetics
Classification: Uncertain significance. Last evaluated: 2026-01-10. Review status: criteria provided, single submitter. Criteria: Ambry Variant Classification Scheme 2023. Collection method: clinical testing. Allele origin: germline.
Comment: The p.S255N variant (also known as c.764G>A), located in coding exon 6 of the RINT1 gene, results from a G to A substitution at nucleotide position 764. The serine at codon 255 is replaced by asparagine, an amino acid with highly similar properties. This amino acid position is conserved. In addition, this alteration is predicted to be tolerated by in silico analysis. Based on the available evidence, the clinical significance of this variant remains unclear.

Labcorp Genetics (formerly Invitae), Labcorp
Classification: Uncertain significance. Last evaluated: 2022-05-24. Review status: criteria provided, single submitter. Criteria: Invitae Variant Classification Sherloc (09022015). Collection method: clinical testing. Allele origin: germline.
Comment: In summary, the available evidence is currently insufficient to determine the role of this variant in disease. Therefore, it has been classified as a Variant of Uncertain Significance. Algorithms developed to predict the effect of missense changes on protein structure and function output the following: SIFT: "Deleterious"; PolyPhen-2: "Benign"; Align-GVGD: "Class C0". The asparagine amino acid residue is found in multiple mammalian species, which suggests that this missense change does not adversely affect protein function. This variant has not been reported in the literature in individuals affected with RINT1-related conditions. This variant is not present in population databases (gnomAD no frequency). This sequence change replaces serine, which is neutral and polar, with asparagine, which is neutral and polar, at codon 255 of the RINT1 protein (p.Ser255Asn).